The following is an entry in ClinVar:

NM_182961.4(SYNE1):c.15089A>G (p.Glu5030Gly)

Gene: SYNE1 (spectrin repeat containing nuclear envelope protein 1; minus strand). Cytogenetic location: 6q25.2.
Variant type: single nucleotide variant.
Coding change: c.15089A>G on transcript NM_182961.4 (MANE Select); coding-DNA position 15089, A replaced by G.
Protein change: p.Glu5030Gly; replaces glutamic acid 5030 with glycine.
Molecular consequence: missense variant.
Genome position (GRCh38, 1-based): chr6:152,326,500, T>C on the plus strand (A>G on the coding strand, the complement: SYNE1 is on the minus strand). VCF-style: chr6-152326500-T-C. GRCh37 (hg19) VCF-style: chr6-152647635-T-C.
Other names: c.14876A>G, p.Glu4959Gly (NM_033071.5); short protein forms E4959G, E5030G.
Identifiers: ClinVar variation 571566 (VCV000571566.8), dbSNP rs1563087715, ClinGen allele CA366093750.
Genomic context (GRCh38, chr6:152,326,500, plus strand): 5'-TCCAGGTTACTATGGAACTGATCCTCTGTACTGAAAAATTCCATGTGGCTTTTGAGATTT[T>C]CCTCTGCGCTCTCCACGTCTAGGCCATTGCCTGCCAGCTGTAACAATTCTTGGGCATCCT-3'
Protein context (NP_892006.3, residues 5020-5040): GNGLDVESAE[Glu5030Gly]NLKSHMEFFS

ClinVar aggregate classification (germline): Uncertain significance (1 of 4 stars; one submission).

Conditions:
Emery-Dreifuss muscular dystrophy 4, autosomal dominant (EDMD4). Also called: EMERY-DREIFUSS MUSCULAR DYSTROPHY 4 WITH VARIABLE FEATURES. Identifiers: Orphanet 261, MedGen C2751807, MONDO:0013071, OMIM 612998.
Autosomal recessive ataxia, Beauce type. Also called: SYNE1-Related Autosomal Recessive Cerebellar Ataxia; Spinocerebellar ataxia, autosomal recessive 8; ATAXIA, RECESSIVE, OF BEAUCE; SYNE1 Deficiency. Identifiers: Orphanet 88644, MedGen C1853116, MONDO:0012549, OMIM 610743.

Submission:

Labcorp Genetics (formerly Invitae), Labcorp
Classification: Uncertain significance for Emery-Dreifuss muscular dystrophy 4, autosomal dominant; Autosomal recessive ataxia, Beauce type. Last evaluated: 2022-08-16. Review status: criteria provided, single submitter. Criteria: Invitae Variant Classification Sherloc (09022015). Collection method: clinical testing. Allele origin: germline.
Comment: In summary, the available evidence is currently insufficient to determine the role of this variant in disease. Therefore, it has been classified as a Variant of Uncertain Significance. Algorithms developed to predict the effect of missense changes on protein structure and function output the following: SIFT: "Tolerated"; PolyPhen-2: "Benign"; Align-GVGD: "Class C0". The glycine amino acid residue is found in multiple mammalian species, which suggests that this missense change does not adversely affect protein function. This variant has not been reported in the literature in individuals affected with SYNE1-related conditions. This variant is not present in population databases (gnomAD no frequency). This sequence change replaces glutamic acid, which is acidic and polar, with glycine, which is neutral and non-polar, at codon 4959 of the SYNE1 protein (p.Glu4959Gly). ClinVar contains an entry for this variant (Variation ID: 571566).